The following is an entry in ClinVar:

ClinVar aggregate classification (germline): Uncertain significance. Review status: criteria provided, multiple submitters, no conflicts (2 of 4 stars). 4 submissions from 4 submitters: Uncertain significance (4). Last evaluated 2024-07-23.

Conditions:
Brown-Vialetto-van Laere syndrome 1. Also called: BROWN-VIALETTO-VAN LAERE SYNDROME 1, MILD; BULBAR PALSY, PROGRESSIVE, WITH SENSORINEURAL DEAFNESS; PONTOBULBAR PALSY WITH DEAFNESS. Identifiers: Orphanet 572550, Orphanet 97229, MedGen C0796274, MONDO:0024537, OMIM 211530.
Inborn genetic diseases. Identifiers: MedGen C0950123, MeSH D030342.

Allele frequency attached by ClinVar (database versions not stated): ESP Exome Variant Server 0.00008; TOPMed 0.00009; ExAC 0.00003; gnomAD exomes 0.00011 and 0.00002; gnomAD 0.00013.

Submissions (4):

Ambry Genetics
Classification: Uncertain significance for Inborn genetic diseases. Last evaluated: 2024-07-23. Review status: criteria provided, single submitter. Criteria: Ambry Variant Classification Scheme 2023. Collection method: clinical testing. Allele origin: germline.

Blueprint Genetics
Classification: Uncertain significance. Last evaluated: 2022-10-31. Review status: criteria provided, single submitter. Criteria: ACMG Guidelines, 2015. Collection method: clinical testing. Allele origin: germline.

Labcorp Genetics (formerly Invitae), Labcorp
Classification: Uncertain significance for Brown-Vialetto-van Laere syndrome 1. Last evaluated: 2022-07-22. Review status: criteria provided, single submitter. Criteria: Invitae Variant Classification Sherloc (09022015). Collection method: clinical testing. Allele origin: germline.
Comment: This sequence change replaces glycine, which is neutral and non-polar, with aspartic acid, which is acidic and polar, at codon 391 of the SLC52A3 protein (p.Gly391Asp). This variant is present in population databases (rs370820845, gnomAD 0.006%). This variant has not been reported in the literature in individuals affected with SLC52A3-related conditions. ClinVar contains an entry for this variant (Variation ID: 838053). Algorithms developed to predict the effect of missense changes on protein structure and function (SIFT, PolyPhen-2, Align-GVGD) all suggest that this variant is likely to be tolerated. In summary, the available evidence is currently insufficient to determine the role of this variant in disease. Therefore, it has been classified as a Variant of Uncertain Significance.

GeneDx
Classification: Uncertain significance. Last evaluated: 2021-02-02. Review status: criteria provided, single submitter. Criteria: GeneDx Variant Classification Process June 2021. Collection method: clinical testing. Allele origin: germline. Affected: yes.
Comment: Not observed at a significant frequency in large population cohorts (Lek et al., 2016); In silico analysis supports that this missense variant has a deleterious effect on protein structure/function; Has not been previously published as pathogenic or benign to our knowledge

NM_033409.4(SLC52A3):c.1172G>A (p.Gly391Asp)

Gene: SLC52A3 (solute carrier family 52 member 3; minus strand). Cytogenetic location: 20p13.
Variant type: single nucleotide variant.
Coding change: c.1172G>A on transcript NM_033409.4 (MANE Select); coding-DNA position 1172, G replaced by A.
Protein change: p.Gly391Asp; replaces glycine 391 with aspartic acid.
Molecular consequence: missense variant.
Genome position (GRCh38, 1-based): chr20:761,726, C>T on the plus strand (G>A on the coding strand, the complement: SLC52A3 is on the minus strand). VCF-style: chr20-761726-C-T. GRCh37 (hg19) VCF-style: chr20-742370-C-T.
Other names: c.1172G>A, p.Gly391Asp (NM_001370085.1, NM_001370086.1); short protein forms G391D.
Identifiers: ClinVar variation 838053 (VCV000838053.12), dbSNP rs370820845, ClinGen allele CA9724580.